The following is an entry in ClinVar:

NM_001080517.3(SETD5):c.4087C>A (p.Gln1363Lys)

Gene: SETD5 (SET domain containing 5; plus strand). Cytogenetic location: 3p25.3.
Variant type: single nucleotide variant.
Coding change: c.4087C>A on transcript NM_001080517.3 (MANE Select); coding-DNA position 4087, C replaced by A.
Protein change: p.Gln1363Lys; replaces glutamine 1363 with lysine.
Molecular consequence: missense variant.
Genome position (GRCh38, 1-based): chr3:9,475,849, C>A. VCF-style: chr3-9475849-C-A. GRCh37 (hg19) VCF-style: chr3-9517533-C-A.
Other names: c.3793C>A, p.Gln1265Lys (NM_001292043.2, NM_001349451.2); short protein forms Q1265K, Q1363K.
Identifiers: ClinVar variation 2497826 (VCV002497826.1), dbSNP rs2473989391, ClinGen allele CA351694182.

ClinVar aggregate classification (germline): Uncertain significance (1 of 4 stars; one submission).

Submission:

GeneDx
Classification: Uncertain significance. Last evaluated: 2022-10-08. Review status: criteria provided, single submitter. Criteria: GeneDx Variant Classification Process June 2021. Collection method: clinical testing. Allele origin: germline. Affected: yes.
Comment: Not observed at significant frequency in large population cohorts (gnomAD); In silico analysis supports that this missense variant does not alter protein structure/function; Has not been previously published as pathogenic or benign to our knowledge